The following is an entry in ClinVar:

NM_014822.4(SEC24D):c.2401C>T (p.Pro801Ser)

Gene: SEC24D (SEC24 homolog D, COPII component; minus strand). Cytogenetic location: 4q26.
Variant type: single nucleotide variant.
Coding change: c.2401C>T on transcript NM_014822.4 (MANE Select); coding-DNA position 2401, C replaced by T.
Protein change: p.Pro801Ser; replaces proline 801 with serine.
Molecular consequence: missense variant.
Genome position (GRCh38, 1-based): chr4:118,738,356, G>A on the plus strand (C>T on the coding strand, the complement: SEC24D is on the minus strand). VCF-style: chr4-118738356-G-A. GRCh37 (hg19) VCF-style: chr4-119659511-G-A.
Other names: c.2404C>T, p.Pro802Ser (NM_001318066.2); short protein forms P802S, P801S.
Identifiers: ClinVar variation 2100891 (VCV002100891.4), dbSNP rs1726069527, ClinGen allele CA358006130.

ClinVar aggregate classification (germline): Uncertain significance (1 of 4 stars; one submission).

Allele frequency attached by ClinVar (database versions not stated): gnomAD exomes below 0.00001; gnomAD 0.00001; TOPMed 0.00002.
gnomAD v4.1: 3 of 1,612,568 alleles (0.00019%); highest among the groups gnomAD compares: Admixed American, 0.0017%; no homozygotes.

Submission:

Labcorp Genetics (formerly Invitae), Labcorp
Classification: Uncertain significance. Last evaluated: 2024-05-24. Review status: criteria provided, single submitter. Criteria: Invitae Variant Classification Sherloc (09022015). Collection method: clinical testing. Allele origin: germline.
Comment: This sequence change replaces proline, which is neutral and non-polar, with serine, which is neutral and polar, at codon 801 of the SEC24D protein (p.Pro801Ser). This variant is not present in population databases (gnomAD no frequency). This variant has not been reported in the literature in individuals affected with SEC24D-related conditions. ClinVar contains an entry for this variant (Variation ID: 2100891). An algorithm developed to predict the effect of missense changes on protein structure and function (PolyPhen-2) suggests that this variant is likely to be disruptive. In summary, the available evidence is currently insufficient to determine the role of this variant in disease. Therefore, it has been classified as a Variant of Uncertain Significance.